The following is an entry in ClinVar:

NM_005236.3(ERCC4):c.289C>T (p.Arg97Cys)

Gene: ERCC4 (ERCC excision repair 4, endonuclease catalytic subunit; plus strand). Cytogenetic location: 16p13.12.
Variant type: single nucleotide variant.
Coding change: c.289C>T on transcript NM_005236.3 (MANE Select); coding-DNA position 289, C replaced by T.
Protein change: p.Arg97Cys; replaces arginine 97 with cysteine.
Molecular consequence: missense variant.
Genome position (GRCh38, 1-based): chr16:13,922,112, C>T. VCF-style: chr16-13922112-C-T. GRCh37 (hg19) VCF-style: chr16-14015969-C-T.
Other names: short protein forms R97C.
Identifiers: ClinVar variation 4790211 (VCV004790211.1).
Genomic context (GRCh38, chr16:13,922,112, plus strand): 5'-AAGATAGAAGGAGTTGAACACCTCCCTCGCCGTGTAACAAATGAAATCACAAGCAACAGT[C>T]GCTATGAAGTTTACACACAAGGTGGTGTTATATTTGCGACAAGTAGGATACTTGTGGTTG-3'
Protein context (NP_005227.1, residues 87-107): RVTNEITSNS[Arg97Cys]YEVYTQGGVI

ClinVar aggregate classification (germline): Uncertain significance (1 of 4 stars; one submission).

Conditions:
Xeroderma pigmentosum, group F (XPF). Also called: XERODERMA PIGMENTOSUM, COMPLEMENTATION GROUP F; XERODERMA PIGMENTOSUM VI; XP, GROUP F; ERCC4-Related Xeroderma Pigmentosum; XERODERMA PIGMENTOSUM, TYPE F; Xeroderma pigmentosum, type 6. Identifiers: MedGen C0268140, MONDO:0010215, OMIM 278760.
Fanconi anemia complementation group Q. Identifiers: Orphanet 84, MedGen C3808988, MONDO:0014108, OMIM 615272.
Cockayne syndrome. Identifiers: Orphanet 191, MedGen C0009207, MONDO:0016006.

gnomAD v4.1: 10 of 1,613,246 alleles (0.00062%); highest among the groups gnomAD compares: South Asian, 0.0077%; no homozygotes.

Submission:

Labcorp Genetics (formerly Invitae), Labcorp
Classification: Uncertain significance for Fanconi anemia complementation group Q; Xeroderma pigmentosum, group F; Cockayne syndrome. Last evaluated: 2025-11-25. Review status: criteria provided, single submitter. Criteria: Invitae Variant Classification Sherloc (09022015). Collection method: clinical testing. Allele origin: germline.
Comment: This sequence change replaces arginine, which is basic and polar, with cysteine, which is neutral and slightly polar, at codon 97 of the ERCC4 protein (p.Arg97Cys). This variant is present in population databases (rs760327512, gnomAD 0.007%). This variant has not been reported in the literature in individuals affected with ERCC4-related conditions. Invitae Evidence Modeling of protein sequence and biophysical properties (such as structural, functional, and spatial information, amino acid conservation, physicochemical variation, residue mobility, and thermodynamic stability) indicates that this missense variant is expected to disrupt ERCC4 protein function with a positive predictive value of 80%. In summary, the available evidence is currently insufficient to determine the role of this variant in disease. Therefore, it has been classified as a Variant of Uncertain Significance.